The following is an entry in ClinVar:

ClinVar aggregate classification (germline): Likely benign (1 of 4 stars; one submission).

Allele frequency attached by ClinVar (database versions not stated): gnomAD exomes 0.00041; 1000 Genomes Project 30x 0.00297; 1000 Genomes Project 0.00300; gnomAD 0.00368 and 0.00403; TOPMed 0.00404.
gnomAD v4.1: 757 of 607,592 alleles (0.12%); highest among the groups gnomAD compares: African/African-American, 1.3%; 4 homozygotes.

Submission:

GeneDx
Classification: Likely benign. Last evaluated: 2018-06-19. Review status: criteria provided, single submitter. Criteria: GeneDx Variant Classification (06012015). Collection method: clinical testing. Allele origin: germline. Affected: yes.
Comment: This variant is considered likely benign or benign based on one or more of the following criteria: it is a conservative change, it occurs at a poorly conserved position in the protein, it is predicted to be benign by multiple in silico algorithms, and/or has population frequency not consistent with disease.

NM_002667.5(PLN):c.-97-105A>G

Genes: CEP85L (centrosomal protein 85 like; minus strand), PLN (phospholamban; plus strand). Cytogenetic location: 6q22.31.
Variant type: single nucleotide variant.
Coding change: c.-97-105A>G on transcript NM_002667.5 (MANE Select); 105 bases into the intron before 97 bases upstream of the start codon, A replaced by G.
Molecular consequence: intron variant.
Genome position (GRCh38, 1-based): chr6:118,558,720, A>G. VCF-style: chr6-118558720-A-G. GRCh37 (hg19) VCF-style: chr6-118879883-A-G.
Other names: c.1029+6809T>C (NM_001178035.2); c.1020+6809T>C (NM_001042475.3, NM_206921.3).
Identifiers: ClinVar variation 675990 (VCV000675990.2), dbSNP rs140164799, ClinGen allele CA146529575.